The following is an entry in ClinVar:

NM_000465.4(BARD1):c.328A>G (p.Lys110Glu)

Gene: BARD1 (BRCA1 associated RING domain 1; minus strand). Cytogenetic location: 2q35.
Variant type: single nucleotide variant.
Coding change: c.328A>G on transcript NM_000465.4 (MANE Select); coding-DNA position 328, A replaced by G.
Protein change: p.Lys110Glu; replaces lysine 110 with glutamic acid.
Molecular consequence: missense variant. On other transcripts: non-coding transcript variant (1), intron variant (2).
Genome position (GRCh38, 1-based): chr2:214,792,333, T>C on the plus strand (A>G on the coding strand, the complement: BARD1 is on the minus strand). VCF-style: chr2-214792333-T-C. GRCh37 (hg19) VCF-style: chr2-215657057-T-C.
Other names: c.271A>G, p.Lys91Glu (NM_001282543.2); c.328A>G, p.Lys110Glu (NM_001282549.2); c.158+17079A>G (NM_001282548.2); c.215+4728A>G (NM_001282545.2); c.328A>G (NM_000465.2); short protein forms K91E, K110E.
Identifiers: ClinVar variation 1473664 (VCV001473664.11), dbSNP rs1574839460, ClinGen allele CA350460867.

ClinVar aggregate classification (germline): Uncertain significance. Review status: criteria provided, multiple submitters, no conflicts (2 of 4 stars). 3 submissions from 3 submitters: Uncertain significance (3). Last evaluated 2026-01-03.

Conditions:
Hereditary cancer-predisposing syndrome. Also called: Neoplastic Syndromes, Hereditary; Tumor predisposition; Hereditary Cancer Syndrome; Hereditary neoplastic syndrome. Identifiers: Orphanet 140162, MedGen C0027672, MeSH D009386, MONDO:0015356.
Familial cancer of breast. Also called: BREAST CANCER, FAMILIAL; Hereditary breast cancer; hereditary breast carcinoma. Identifiers: Orphanet 227535, MedGen C0346153, MONDO:0016419, OMIM 114480. Disease mechanism: loss of function.

Submissions (3):

Ambry Genetics
Classification: Uncertain significance for Hereditary cancer-predisposing syndrome. Last evaluated: 2026-01-03. Review status: criteria provided, single submitter. Criteria: Ambry Variant Classification Scheme 2023. Collection method: clinical testing. Allele origin: germline.
Comment: The p.K110E variant (also known as c.328A>G), located in coding exon 3 of the BARD1 gene, results from an A to G substitution at nucleotide position 328. The lysine at codon 110 is replaced by glutamic acid, an amino acid with similar properties. This amino acid position is conserved. In addition, the in silico prediction for this alteration is inconclusive. Based on the available evidence, the clinical significance of this variant remains unclear.

GeneDx
Classification: Uncertain significance. Last evaluated: 2024-08-15. Review status: criteria provided, single submitter. Criteria: GeneDx Variant Classification Process June 2021. Collection method: clinical testing. Allele origin: germline. Affected: yes.
Comment: Not observed at significant frequency in large population cohorts (gnomAD); In silico analysis indicates that this missense variant does not alter protein structure/function; Has not been previously published as pathogenic or benign to our knowledge; This variant is associated with the following publications: (PMID: 14647430, 18480049)

Labcorp Genetics (formerly Invitae), Labcorp
Classification: Uncertain significance for Familial cancer of breast. Last evaluated: 2020-12-15. Review status: criteria provided, single submitter. Criteria: Invitae Variant Classification Sherloc (09022015). Collection method: clinical testing. Allele origin: germline.
Comment: This variant has not been reported in the literature in individuals with BARD1-related conditions. In summary, the available evidence is currently insufficient to determine the role of this variant in disease. Therefore, it has been classified as a Variant of Uncertain Significance. Algorithms developed to predict the effect of missense changes on protein structure and function are either unavailable or do not agree on the potential impact of this missense change (SIFT: "Tolerated"; PolyPhen-2: "Possibly Damaging"; Align-GVGD: "Class C0"). This variant is not present in population databases (ExAC no frequency). This sequence change replaces lysine with glutamic acid at codon 110 of the BARD1 protein (p.Lys110Glu). The lysine residue is highly conserved and there is a small physicochemical difference between lysine and glutamic acid.